The following is an entry in ClinVar:

NM_181783.4(TMTC3):c.1462del (p.Arg488fs)

Gene: TMTC3 (transmembrane O-mannosyltransferase targeting cadherins 3; plus strand). Cytogenetic location: 12q21.32.
Variant type: Deletion.
Coding change: c.1462del on transcript NM_181783.4 (MANE Select); coding-DNA position 1462, one base deleted (A; older notation c.1462delA).
Protein change: p.Arg488fs; shifts the reading frame from arginine 488.
Molecular consequence: frameshift variant. On other transcripts: non-coding transcript variant (1).
Genome position (GRCh38, 1-based): chr12:88,188,872, A deleted; the last of 2 consecutive A bases (chr12:88,188,871-88,188,872); deleting either gives the same sequence. VCF-style (leftmost placement, unchanged base first): chr12-88188870-GA-G. GRCh37 (hg19) VCF-style: chr12-88582647-GA-G.
Other names: c.1282del, p.Arg428fs (NM_001366574.1); c.1243del, p.Arg415fs (NM_001366579.1); c.1195del, p.Arg399fs (NM_001366580.1); c.769del, p.Arg257fs (NM_001366583.1); short protein forms R415fs, R428fs, R488fs, R257fs, R399fs.
Identifiers: ClinVar variation 372273 (VCV000372273.2), dbSNP rs1057517696, ClinGen allele CA16042276.

ClinVar aggregate classification (germline): Pathogenic. Review status: criteria provided, single submitter (1 of 4 stars). 2 submissions from 2 submitters: Pathogenic (1). 1 of the submissions does not count toward it. Last evaluated 2026-01-29.

Conditions:
Lissencephaly 8 (LIS8). Identifiers: MedGen C4310646, MONDO:0014992, OMIM 617255.

Submissions (2):

3billion
Classification: Pathogenic for Lissencephaly 8. Last evaluated: 2026-01-29. Review status: criteria provided, single submitter. Criteria: ACMG Guidelines, 2015. Collection method: clinical testing. Allele origin: germline. Affected: yes.
Comment: The variant is not observed in the gnomAD v4.1.0 dataset. Predicted Consequence/Location: Frameshift: predicted to result in a loss or disruption of normal protein function through nonsense-mediated decay (NMD) or protein truncation. Multiple pathogenic variants are reported downstream of the variant. The variant has been reported to be in trans with a pathogenic variant as either compound heterozygous or homozygous in at least one similarly affected unrelated individual (PMID: 27773428). The variant has been reported to be associated with TMTC3-related disorder (ClinVar ID: VCV000372273 /PMID: 27773428). Therefore, this variant is classified as Pathogenic according to the recommendation of ACMG/AMP guideline.

OMIM
Classification: Pathogenic for LISSENCEPHALY 8. Last evaluated: 2016-12-17. Review status: no assertion criteria provided. Collection method: literature only. Allele origin: germline. Not counted in ClinVar's aggregate classification.

Literature cited by the submitters: PubMed 27773428 (cited by 3billion and OMIM).